The following is an entry in ClinVar:

NM_001378778.1(MPDZ):c.5730G>C (p.Gly1910=)

Gene: MPDZ (multiple PDZ domain crumbs cell polarity complex component; minus strand). Cytogenetic location: 9p23.
Variant type: single nucleotide variant.
Coding change: c.5730G>C on transcript NM_001378778.1 (MANE Select); coding-DNA position 5730, G replaced by C.
Protein change: p.Gly1910=; no amino-acid change (glycine 1910 retained).
Molecular consequence: synonymous variant.
Genome position (GRCh38, 1-based): chr9:13,110,735, C>G on the plus strand (G>C on the coding strand, the complement: MPDZ is on the minus strand). VCF-style: chr9-13110735-C-G. GRCh37 (hg19) VCF-style: chr9-13110734-C-G.
Other names: c.5631G>C, p.Gly1877= (NM_001261406.2, NM_001375416.1, NM_001375417.1 and 1 more transcripts); c.5544G>C, p.Gly1848= (NM_001261407.2, NM_001375419.1); c.5730G>C, p.Gly1910= (NM_001330637.2); c.5829G>C, p.Gly1943= (NM_001375413.1); c.5520G>C, p.Gly1840= (NM_001375420.1, NM_001375421.1, NM_001375422.1 and 2 more transcripts); c.5433G>C, p.Gly1811= (NM_001375425.1, NM_001375426.1); c.5322G>C, p.Gly1774= (NM_001375427.1); c.5643G>C, p.Gly1881= (NM_003829.5).
Identifiers: ClinVar variation 737156 (VCV000737156.9), dbSNP rs763952738, ClinGen allele CA189267903.

ClinVar aggregate classification (germline): Likely benign. Review status: criteria provided, single submitter (1 of 4 stars). 2 submissions from 2 submitters: Likely benign (1). 1 of the submissions does not count toward it. Last evaluated 2025-12-17.

Conditions:
MPDZ-related disorder. Also called: MPDZ-related condition.

Allele frequency attached by ClinVar (database versions not stated): gnomAD 0.00002; TOPMed 0.00002.
gnomAD v4.1: 52 of 1,612,202 alleles (0.0032%); highest among the groups gnomAD compares: Non-Finnish European, 0.0042%; no homozygotes.

Submissions (2):

Labcorp Genetics (formerly Invitae), Labcorp
Classification: Likely benign. Last evaluated: 2025-12-17. Review status: criteria provided, single submitter. Criteria: Invitae Variant Classification Sherloc (09022015). Collection method: clinical testing. Allele origin: germline.

PreventionGenetics, part of Exact Sciences
Classification: Likely benign for MPDZ-related condition. Last evaluated: 2019-06-07. Review status: no assertion criteria provided. Collection method: clinical testing. Allele origin: germline. Not counted in ClinVar's aggregate classification.
Comment: This variant is classified as likely benign based on ACMG/AMP sequence variant interpretation guidelines (Richards et al. 2015 PMID: 25741868, with internal and published modifications).